The following is an entry in ClinVar:

ClinVar aggregate classification (germline): Likely pathogenic (1 of 4 stars; one submission).

Conditions:
De Lange syndrome (CDLS). Also called: Cornelia de Lange syndrome; CDL. Identifiers: Orphanet 199, MedGen C0270972, MONDO:0016033.

Submission:

Rady Children's Institute for Genomic Medicine, Rady Children's Hospital San Diego
Classification: Likely pathogenic for Cornelia de Lange syndrome. Last evaluated: 2025-09-25. Review status: criteria provided, single submitter. Criteria: ACMG Guidelines, 2015. Collection method: clinical testing. Allele origin: germline. Affected: yes.
Comment: The c.4087G>A variant affects the last nucleotide of exon 17 of the NIPBL gene. Multiple splice prediction tools suggest it is likely to interfere with normal splicing and it may, therefore, result in loss of normal protein function through either protein truncation or nonsense-mediated mRNA decay. Loss-of-function variation in NIPBL is an established mechanism of disease (PMID: 20301283). This variant has not been previously reported or functionally characterized in the literature to our knowledge. The c.4087G>A (p.Gly1363Arg) variant is absent from the latest version of the gnomAD population database and thus is presumed to be rare. Based on parental analysis, this variant likely occurred as a de novo event. Based on the available evidence, c.4087G>A (p.Gly1363Arg) is classified as Likely Pathogenic.

Literature cited by the submitters: PubMed 15318302.

NM_133433.4(NIPBL):c.4087G>A (p.Gly1363Arg)

Gene: NIPBL (NIPBL cohesin loading factor; plus strand). Cytogenetic location: 5p13.2.
Variant type: single nucleotide variant.
Coding change: c.4087G>A on transcript NM_133433.4 (MANE Select); coding-DNA position 4087, G replaced by A.
Protein change: p.Gly1363Arg; replaces glycine 1363 with arginine.
Molecular consequence: missense variant.
Genome position (GRCh38, 1-based): chr5:37,006,588, G>A. VCF-style: chr5-37006588-G-A. GRCh37 (hg19) VCF-style: chr5-37006690-G-A.
Other names: c.4087G>A, p.Gly1363Arg (NM_001438586.1, NM_015384.5); short protein forms G1363R.
Identifiers: ClinVar variation 4814233 (VCV004814233.1).